The following is an entry in ClinVar:

ClinVar aggregate classification (germline): Uncertain significance (1 of 4 stars; one submission).

Allele frequency attached by ClinVar (database versions not stated): gnomAD exomes below 0.00001.
gnomAD v4.1: 1 of 1,611,540 alleles (0.000062%); highest among the groups gnomAD compares: Admixed American, 0.0017%; no homozygotes.

Submission:

Labcorp Genetics (formerly Invitae), Labcorp
Classification: Uncertain significance. Last evaluated: 2024-10-15. Review status: criteria provided, single submitter. Criteria: Invitae Variant Classification Sherloc (09022015). Collection method: clinical testing. Allele origin: germline.
Comment: This sequence change replaces proline, which is neutral and non-polar, with serine, which is neutral and polar, at codon 756 of the PTPN23 protein (p.Pro756Ser). This variant is not present in population databases (gnomAD no frequency). This variant has not been reported in the literature in individuals affected with PTPN23-related conditions. ClinVar contains an entry for this variant (Variation ID: 1475594). An algorithm developed to predict the effect of missense changes on protein structure and function outputs the following: PolyPhen-2: "Not Available". The serine amino acid residue is found in multiple mammalian species, which suggests that this missense change does not adversely affect protein function. In summary, the available evidence is currently insufficient to determine the role of this variant in disease. Therefore, it has been classified as a Variant of Uncertain Significance.

NM_015466.4(PTPN23):c.2266C>T (p.Pro756Ser)

Gene: PTPN23 (protein tyrosine phosphatase non-receptor type 23; plus strand). Cytogenetic location: 3p21.31.
Variant type: single nucleotide variant.
Coding change: c.2266C>T on transcript NM_015466.4 (MANE Select); coding-DNA position 2266, C replaced by T.
Protein change: p.Pro756Ser; replaces proline 756 with serine.
Molecular consequence: missense variant.
Genome position (GRCh38, 1-based): chr3:47,410,064, C>T. VCF-style: chr3-47410064-C-T. GRCh37 (hg19) VCF-style: chr3-47451554-C-T.
Other names: c.1888C>T, p.Pro630Ser (NM_001304482.2); short protein forms P630S, P756S.
Identifiers: ClinVar variation 1475594 (VCV001475594.5), dbSNP rs2107721752, ClinGen allele CA352557932.
Genomic context (GRCh38, chr3:47,410,064, plus strand): 5'-GTGGAAGCAGGAGACCCCCCTGAGGAGCTGCGCAGCCTCCCCCCTGACATGGTGGCTGGC[C>T]CACGACTGCCTGACACCTTCCTGGGAAGTGCCACCCCGCTCCACTTTCCTCCCAGCCCCT-3'
Protein context (NP_056281.1, residues 746-766): RSLPPDMVAG[Pro756Ser]RLPDTFLGSA